The following is an entry in ClinVar:

NM_030665.4(RAI1):c.2865G>A (p.Gly955=)

Gene: RAI1 (retinoic acid induced 1; plus strand). Cytogenetic location: 17p11.2.
Variant type: single nucleotide variant.
Coding change: c.2865G>A on transcript NM_030665.4 (MANE Select); coding-DNA position 2865, G replaced by A.
Protein change: p.Gly955=; no amino-acid change (glycine 955 retained).
Molecular consequence: synonymous variant.
Genome position (GRCh38, 1-based): chr17:17,795,813, G>A. VCF-style: chr17-17795813-G-A. GRCh37 (hg19) VCF-style: chr17-17699127-G-A.
Other names: c.2865G>A (NM_030665.3).
Identifiers: ClinVar variation 1605192 (VCV001605192.40), dbSNP rs771283375, ClinGen allele CA8418620.

ClinVar aggregate classification (germline): Likely benign. Review status: criteria provided, multiple submitters, no conflicts (2 of 4 stars). 4 submissions from 4 submitters: Likely benign (3). 1 of the submissions does not count toward it. Last evaluated 2026-06-15.

Conditions:
RAI1-related disorder. Also called: RAI1-related condition.

Allele frequency attached by ClinVar (database versions not stated): TOPMed 0.00002; gnomAD 0.00003 and 0.00004; ExAC 0.00004.
gnomAD v4.1: 59 of 1,613,488 alleles (0.0037%); highest among the groups gnomAD compares: Non-Finnish European, 0.0039%; no homozygotes.

Submissions (4):

Women's Health and Genetics/Laboratory Corporation of America, LabCorp
Classification: Likely benign. Last evaluated: 2026-06-15. Review status: criteria provided, single submitter. Criteria: LabCorp Variant Classification Summary - May 2015. Collection method: clinical testing. Allele origin: germline.

Labcorp Genetics (formerly Invitae), Labcorp
Classification: Likely benign. Last evaluated: 2025-11-06. Review status: criteria provided, single submitter. Criteria: Invitae Variant Classification Sherloc (09022015). Collection method: clinical testing. Allele origin: germline.

CeGaT Center for Human Genetics Tuebingen
Classification: Likely benign. Last evaluated: 2022-03-01. Review status: criteria provided, single submitter. Criteria: CeGaT Center For Human Genetics Tuebingen Variant Classification Criteria Version 2. Collection method: clinical testing. Allele origin: germline. Affected: yes. Observed: 1 variant allele.
Comment: RAI1: BP4, BP7

PreventionGenetics, part of Exact Sciences
Classification: Likely benign for RAI1-related condition. Last evaluated: 2023-12-20. Review status: no assertion criteria provided. Collection method: clinical testing. Allele origin: germline. Not counted in ClinVar's aggregate classification.
Comment: This variant is classified as likely benign based on ACMG/AMP sequence variant interpretation guidelines (Richards et al. 2015 PMID: 25741868, with internal and published modifications).